The following is an entry in ClinVar:

NM_021023.6(CFHR3):c.705C>T (p.Val235=)

Gene: CFHR3 (complement factor H related 3; plus strand). Cytogenetic location: 1q31.3.
Variant type: single nucleotide variant.
Coding change: c.705C>T on transcript NM_021023.6 (MANE Select); coding-DNA position 705, C replaced by T.
Protein change: p.Val235=; no amino-acid change (valine 235 retained).
Molecular consequence: synonymous variant.
Genome position (GRCh38, 1-based): chr1:196,790,136, C>T. VCF-style: chr1-196790136-C-T. GRCh37 (hg19) VCF-style: chr1-196759266-C-T.
Other names: p.Val235=; c.522C>T, p.Val174= (NM_001166624.2).
Identifiers: ClinVar variation 4683940 (VCV004683940.1).

ClinVar aggregate classification (germline): Likely benign (1 of 4 stars; one submission).

gnomAD v4.1: 24 of 1,373,946 alleles (0.0017%); highest among the groups gnomAD compares: African/African-American, 0.019%; 5 homozygotes.

Submission:

Mayo Clinic Laboratories, Mayo Clinic
Classification: Likely benign. Last evaluated: 2025-03-28. Review status: criteria provided, single submitter. Criteria: ACMG Guidelines, 2015. Collection method: clinical testing. Allele origin: germline. Observed: 2 variant alleles.
Comment: BP4, BP7